The following is an entry in ClinVar:

NM_004360.5(CDH1):c.1440G>C (p.Val480=)

Gene: CDH1 (cadherin 1; plus strand). Cytogenetic location: 16q22.1.
Variant type: single nucleotide variant.
Coding change: c.1440G>C on transcript NM_004360.5 (MANE Select); coding-DNA position 1440, G replaced by C.
Protein change: p.Val480=; no amino-acid change (valine 480 retained).
Molecular consequence: synonymous variant. On other transcripts: 5 prime UTR variant (2).
Genome position (GRCh38, 1-based): chr16:68,815,634, G>C. VCF-style: chr16-68815634-G-C. GRCh37 (hg19) VCF-style: chr16-68849537-G-C.
Other names: c.1440G>C (LRG_301t1); c.1257G>C, p.Val419= (NM_001317184.2); c.-109G>C (NM_001317185.2); c.-380G>C (NM_001317186.2).
Identifiers: ClinVar variation 516037 (VCV000516037.6), dbSNP rs756517599, ClinGen allele CA8130079.

ClinVar aggregate classification (germline): Likely benign. Review status: criteria provided, multiple submitters, no conflicts (2 of 4 stars). 3 submissions from 3 submitters: Likely benign (3). Last evaluated 2024-05-22.

Conditions:
Hereditary cancer-predisposing syndrome. Also called: Neoplastic Syndromes, Hereditary; Tumor predisposition; Hereditary Cancer Syndrome; Hereditary neoplastic syndrome. Identifiers: Orphanet 140162, MedGen C0027672, MeSH D009386, MONDO:0015356.
Hereditary diffuse gastric adenocarcinoma (HDGC). Also called: DIFFUSE GASTRIC AND LOBULAR BREAST CANCER SYNDROME. Identifiers: Orphanet 26106, MedGen C1708349, MONDO:0007648, OMIM 137215.

Allele frequency attached by ClinVar (database versions not stated): gnomAD exomes below 0.00001; ExAC 0.00001.
gnomAD v4.1: 1 of 1,614,206 alleles (0.000062%); highest among the groups gnomAD compares: Non-Finnish European, 0.000085%; no homozygotes.

Submissions (3):

Labcorp Genetics (formerly Invitae), Labcorp
Classification: Likely benign for Hereditary diffuse gastric adenocarcinoma. Last evaluated: 2024-05-22. Review status: criteria provided, single submitter. Criteria: Invitae Variant Classification Sherloc (09022015). Collection method: clinical testing. Allele origin: germline.

Ambry Genetics
Classification: Likely benign for Hereditary cancer-predisposing syndrome. Last evaluated: 2019-08-01. Review status: criteria provided, single submitter. Criteria: Ambry Variant Classification Scheme 2023. Collection method: clinical testing. Allele origin: germline.

GeneDx
Classification: Likely benign. Last evaluated: 2018-03-08. Review status: criteria provided, single submitter. Criteria: GeneDx Variant Classification (06012015). Collection method: clinical testing. Allele origin: germline. Affected: yes.
Comment: This variant is considered likely benign or benign based on one or more of the following criteria: it is a conservative change, it occurs at a poorly conserved position in the protein, it is predicted to be benign by multiple in silico algorithms, and/or has population frequency not consistent with disease.